The following is an entry in ClinVar:

ClinVar aggregate classification (germline): Conflicting classifications of pathogenicity. Review status: criteria provided, conflicting classifications (1 of 4 stars). 5 submissions from 5 submitters: Uncertain significance (1); Likely benign (2). 2 of the submissions do not count toward it. Last evaluated 2025-04-18.

Allele frequency attached by ClinVar (database versions not stated): ESP Exome Variant Server 0.00010; gnomAD 0.00011 and 0.00012; gnomAD exomes 0.00016 and 0.00028; ExAC 0.00028.
gnomAD v4.1: 185 of 1,203,321 alleles (0.015%); highest among the groups gnomAD compares: Non-Finnish European, 0.019%; no homozygotes.

Submissions (5):

Ambry Genetics
Classification: Uncertain significance. Last evaluated: 2025-04-18. Review status: criteria provided, single submitter. Criteria: Ambry Variant Classification Scheme 2023. Collection method: clinical testing. Allele origin: germline.

CeGaT Center for Human Genetics Tuebingen
Classification: Likely benign. Last evaluated: 2022-11-01. Review status: criteria provided, single submitter. Criteria: CeGaT Center For Human Genetics Tuebingen Variant Classification Criteria Version 2. Collection method: clinical testing. Allele origin: germline. Affected: yes. Observed: 1 variant allele.
Comment: TRO: BP4, BS2

Breakthrough Genomics
Classification: Likely benign. Review status: criteria provided, single submitter. Criteria: ACMG Guidelines, 2015. Collection method: not provided. Allele origin: germline. Inheritance: Unknown mechanism. Affected: yes.

Clinical Genetics DNA and cytogenetics Diagnostics Lab, Erasmus MC, Erasmus Medical Center
Classification: Likely benign. Review status: no assertion criteria provided. Collection method: clinical testing. Allele origin: germline. Affected: yes. Study: VKGL Data-share Consensus. Not counted in ClinVar's aggregate classification.

Laboratory of Diagnostic Genome Analysis, Leiden University Medical Center (LUMC)
Classification: Likely benign. Review status: no assertion criteria provided. Collection method: clinical testing. Allele origin: germline. Affected: yes. Study: VKGL Data-share Consensus. Not counted in ClinVar's aggregate classification.

NM_001039705.3(TRO):c.3139G>A (p.Val1047Ile)

Gene: TRO (trophinin; plus strand). Cytogenetic location: Xp11.21.
Variant type: single nucleotide variant.
Coding change: c.3139G>A on transcript NM_001039705.3 (MANE Select); coding-DNA position 3139, G replaced by A.
Protein change: p.Val1047Ile; replaces valine 1047 with isoleucine.
Molecular consequence: missense variant. On other transcripts: intron variant (3).
Genome position (GRCh38, 1-based): chrX:54,929,863, G>A. VCF-style: chrX-54929863-G-A. GRCh37 (hg19) VCF-style: chrX-54956296-G-A.
Other names: c.1732G>A, p.Val578Ile (NM_001271183.2); c.1948G>A, p.Val650Ile (NM_001271184.2); c.1986+1153G>A (NM_016157.4, NM_177556.3); c.795+1153G>A (NM_177557.3); c.3139G>A (NM_001039705.1); short protein forms V1047I, V578I, V650I.
Identifiers: ClinVar variation 1206119 (VCV001206119.29), dbSNP rs201473056, ClinGen allele CA10427387.